The following is an entry in ClinVar:

ClinVar aggregate classification (germline): Conflicting classifications of pathogenicity. Review status: criteria provided, conflicting classifications (1 of 4 stars). 2 submissions from 2 submitters: Uncertain significance (1); Likely benign (1). Last evaluated 2025-06-20.

Conditions:
TTN-related disorder. Also called: TTN-related condition; TTN-related disease; TTN-related disorders.

Allele frequency attached by ClinVar (database versions not stated): gnomAD below 0.00001 and 0.00001; gnomAD exomes below 0.00001; TOPMed 0.00001.
gnomAD v4.1: 3 of 1,613,186 alleles (0.00019%); highest among the groups gnomAD compares: Admixed American, 0.0017%; no homozygotes.

Submissions (2):

PreventionGenetics, part of Exact Sciences
Classification: Uncertain significance for TTN-related condition. Last evaluated: 2025-06-20. Review status: criteria provided, single submitter. Criteria: ACMG Guidelines, 2015. Collection method: clinical testing. Allele origin: germline.
Comment: The TTN c.71438T>C variant is predicted to result in the amino acid substitution p.Ile23813Thr. To our knowledge, this variant has not been reported in the literature. This variant is reported in 0.0029% of alleles in individuals of Latino descent in gnomAD. At this time, the clinical significance of this variant is uncertain due to the absence of conclusive functional and genetic evidence.

GeneDx
Classification: Likely benign. Last evaluated: 2018-02-22. Review status: criteria provided, single submitter. Criteria: GeneDx Variant Classification (06012015). Collection method: clinical testing. Allele origin: germline. Affected: yes.
Comment: This variant is considered likely benign or benign based on one or more of the following criteria: it is a conservative change, it occurs at a poorly conserved position in the protein, it is predicted to be benign by multiple in silico algorithms, and/or has population frequency not consistent with disease.

NM_001267550.2(TTN):c.71438T>C (p.Ile23813Thr)

Genes: TTN (titin; minus strand), TTN-AS1 (TTN antisense RNA 1; plus strand). Cytogenetic location: 2q31.2.
Variant type: single nucleotide variant.
Coding change: c.71438T>C on transcript NM_001267550.2 (MANE Select); coding-DNA position 71438, T replaced by C.
Protein change: p.Ile23813Thr; replaces isoleucine 23813 with threonine.
Molecular consequence: missense variant.
Genome position (GRCh38, 1-based): chr2:178,574,694, A>G on the plus strand (T>C on the coding strand, the complement: TTN is on the minus strand). VCF-style: chr2-178574694-A-G. GRCh37 (hg19) VCF-style: chr2-179439421-A-G.
Other names: c.66515T>C, p.Ile22172Thr (NM_001256850.1); c.44243T>C, p.Ile14748Thr (NM_003319.4); c.63734T>C, p.Ile21245Thr (NM_133378.4); c.44618T>C, p.Ile14873Thr (NM_133432.3); c.44819T>C, p.Ile14940Thr (NM_133437.4); short protein forms I22172T, I23813T, I14940T, I21245T, I14748T, I14873T.
Identifiers: ClinVar variation 515694 (VCV000515694.2), dbSNP rs1304761942, ClinGen allele CA349653675.